The following is an entry in ClinVar:

ClinVar aggregate classification (germline): Likely pathogenic (1 of 4 stars; one submission).

Conditions:
Dilated cardiomyopathy 1G (CMD1G). Identifiers: Orphanet 154, MedGen C1858763, MONDO:0011400, OMIM 604145.

Submission:

Center for Medical Genetics Ghent, University of Ghent
Classification: Likely pathogenic for Dilated cardiomyopathy 1G. Last evaluated: 2016-06-29. Review status: criteria provided, single submitter. Criteria: ACMG Guidelines, 2015. Collection method: clinical testing. Allele origin: de novo. Affected: yes.
Comment: This variant has not been identified in large population databases (Gnomad, 1000 Genomes, Go NL, Exome Variant Server). This variant is a de novo variant (maternity and paternity was tested).

NM_001267550.2(TTN):c.9112T>C (p.Tyr3038His)

Gene: TTN (titin; minus strand). Cytogenetic location: 2q31.2.
Variant type: single nucleotide variant.
Coding change: c.9112T>C on transcript NM_001267550.2 (MANE Select); coding-DNA position 9112, T replaced by C.
Protein change: p.Tyr3038His; replaces tyrosine 3038 with histidine.
Molecular consequence: missense variant.
Genome position (GRCh38, 1-based): chr2:178,768,724, A>G on the plus strand (T>C on the coding strand, the complement: TTN is on the minus strand). VCF-style: chr2-178768724-A-G. GRCh37 (hg19) VCF-style: chr2-179633451-A-G.
Other names: c.8974T>C, p.Tyr2992His (NM_003319.4, NM_133432.3, NM_133437.4); c.9112T>C, p.Tyr3038His (NM_133378.4, NM_133379.5, NM_001256850.1); short protein forms Y3038H, Y2992H.
Identifiers: ClinVar variation 254164 (VCV000254164.2), dbSNP rs886037909, ClinGen allele CA10586349.